The following is an entry in ClinVar:

ClinVar aggregate classification (germline): Pathogenic (1 of 4 stars; one submission).

Submission:

GeneDx
Classification: Pathogenic. Last evaluated: 2023-10-02. Review status: criteria provided, single submitter. Criteria: GeneDx Variant Classification Process June 2021. Collection method: clinical testing. Allele origin: germline. Affected: yes.
Comment: Nonsense variant predicted to result in protein truncation or nonsense mediated decay in a gene for which loss of function is a known mechanism of disease; Not observed at significant frequency in large population cohorts (gnomAD); This variant is associated with the following publications: (PMID: 23801931)

NM_053274.3(GLMN):c.92del (p.Gln30_Leu31insTer)

Gene: GLMN (glomulin, FKBP associated protein; minus strand). Cytogenetic location: 1p22.1.
Variant type: Deletion.
Coding change: c.92del on transcript NM_053274.3 (MANE Select); coding-DNA position 92, one base deleted (T; older notation c.92delT).
Protein change: p.Gln30_Leu31insTer.
Molecular consequence: nonsense. On other transcripts: non-coding transcript variant (1).
Genome position (GRCh38, 1-based): chr1:92,297,477, A deleted on the plus strand (T on the coding strand, the reverse complement: GLMN is on the minus strand); the first of 2 consecutive A bases (chr1:92,297,477-92,297,478); deleting either gives the same sequence. VCF-style (leftmost placement, unchanged base first): chr1-92297476-TA-T. GRCh37 (hg19) VCF-style: chr1-92763033-TA-T.
Other names: c.92del, p.Gln30_Leu31insTer (NM_001319683.2).
Identifiers: ClinVar variation 3252358 (VCV003252358.1), dbSNP rs2524227371.